The following is an entry in ClinVar:

NM_000388.4(CASR):c.2767C>G (p.Pro923Ala)

Gene: CASR (calcium sensing receptor; plus strand). Cytogenetic location: 3q21.1.
Variant type: single nucleotide variant.
Coding change: c.2767C>G on transcript NM_000388.4 (MANE Select); coding-DNA position 2767, C replaced by G.
Protein change: p.Pro923Ala; replaces proline 923 with alanine.
Molecular consequence: missense variant.
Genome position (GRCh38, 1-based): chr3:122,284,721, C>G. VCF-style: chr3-122284721-C-G. GRCh37 (hg19) VCF-style: chr3-122003568-C-G.
Other names: p.Pro923Ala; c.2797C>G, p.Pro933Ala (NM_001178065.2); short protein forms P923A, P933A.
Identifiers: ClinVar variation 571590 (VCV000571590.56), dbSNP rs201517907, ClinGen allele CA2569861.

ClinVar aggregate classification (germline): Conflicting classifications of pathogenicity. Review status: criteria provided, conflicting classifications (1 of 4 stars). 6 submissions from 6 submitters: Uncertain significance (4); Likely benign (2). Last evaluated 2025-08-06.

Conditions:
Nephrolithiasis/nephrocalcinosis. Identifiers: MedGen CN580796.
Familial hypocalciuric hypercalcemia 1. Also called: Hypercalcemia, familial benign type 1. Identifiers: Orphanet 405, Orphanet 93372, MedGen C0342637, MONDO:0007791, OMIM 145980.
Autosomal dominant hypocalcemia 1 (HYPOC1). Also called: HYPOCALCEMIA, FAMILIAL. Identifiers: MedGen C3715128, MONDO:0011013, OMIM 601198.
Familial hypocalciuric hypercalcemia (FHH). Also called: Familial benign hypercalcemia. Identifiers: Orphanet 405, MedGen C1809471, MONDO:0018458.

Allele frequency attached by ClinVar (database versions not stated): gnomAD 0.00001; TOPMed 0.00001; ExAC 0.00002; gnomAD exomes 0.00002.
gnomAD v4.1: 25 of 1,614,048 alleles (0.0015%); highest among the groups gnomAD compares: African/African-American, 0.0027%; no homozygotes.

Submissions (6):

Labcorp Genetics (formerly Invitae), Labcorp
Classification: Likely benign for Familial hypocalciuric hypercalcemia; Autosomal dominant hypocalcemia 1. Last evaluated: 2025-08-06. Review status: criteria provided, single submitter. Criteria: Invitae Variant Classification Sherloc (09022015). Collection method: clinical testing. Allele origin: germline.

Mayo Clinic Laboratories, Mayo Clinic
Classification: Uncertain significance. Last evaluated: 2024-09-25. Review status: criteria provided, single submitter. Criteria: ACMG Guidelines, 2015. Collection method: clinical testing. Allele origin: germline. Observed: 1 variant allele.
Comment: BP4, PP2, PM2

Blueprint Genetics
Classification: Uncertain significance. Last evaluated: 2024-08-12. Review status: criteria provided, single submitter. Criteria: ACMG Guidelines, 2015. Collection method: clinical testing. Allele origin: germline.

Ambry Genetics
Classification: Uncertain significance for Nephrolithiasis/nephrocalcinosis. Last evaluated: 2023-11-23. Review status: criteria provided, single submitter. Criteria: Ambry Variant Classification Scheme 2023. Collection method: clinical testing. Allele origin: germline.
Comment: The p.P923A variant (also known as c.2767C>G), located in coding exon 6 of the CASR gene, results from a C to G substitution at nucleotide position 2767. The proline at codon 923 is replaced by alanine, an amino acid with highly similar properties. This amino acid position is well conserved in available vertebrate species. In addition, this alteration is predicted to be tolerated by in silico analysis. Since supporting evidence is limited at this time, the clinical significance of this alteration remains unclear.

Mendelics
Classification: Likely benign for Familial hypocalciuric hypercalcemia 1. Last evaluated: 2019-05-28. Review status: criteria provided, single submitter. Criteria: Mendelics Assertion Criteria 2017. Collection method: clinical testing. Allele origin: unknown.

CeGaT Center for Human Genetics Tuebingen
Classification: Uncertain significance. Last evaluated: 2017-01-01. Review status: criteria provided, single submitter. Criteria: CeGaT Center For Human Genetics Tuebingen Variant Classification Criteria Version 2. Collection method: clinical testing. Allele origin: germline. Affected: yes. Observed: 1 variant allele.